The following is an entry in ClinVar:

ClinVar aggregate classification (germline): Uncertain significance (1 of 4 stars; one submission).

Conditions:
Hereditary cancer-predisposing syndrome. Also called: Neoplastic Syndromes, Hereditary; Tumor predisposition; Hereditary Cancer Syndrome; Hereditary neoplastic syndrome. Identifiers: Orphanet 140162, MedGen C0027672, MeSH D009386, MONDO:0015356.

Submission:

Ambry Genetics
Classification: Uncertain significance for Hereditary cancer-predisposing syndrome. Last evaluated: 2021-03-09. Review status: criteria provided, single submitter. Criteria: Ambry Variant Classification Scheme 2023. Collection method: clinical testing. Allele origin: germline.
Comment: The p.A643V variant (also known as c.1928C>T), located in coding exon 7 of the AXIN2 gene, results from a C to T substitution at nucleotide position 1928. The alanine at codon 643 is replaced by valine, an amino acid with similar properties. This amino acid position is not well conserved in available vertebrate species. In addition, this alteration is predicted to be tolerated by in silico analysis. Since supporting evidence is limited at this time, the clinical significance of this alteration remains unclear.

NM_004655.4(AXIN2):c.1928C>T (p.Ala643Val)

Gene: AXIN2 (axin 2; minus strand). Cytogenetic location: 17q24.1.
Variant type: single nucleotide variant.
Coding change: c.1928C>T on transcript NM_004655.4 (MANE Select); coding-DNA position 1928, C replaced by T.
Protein change: p.Ala643Val; replaces alanine 643 with valine.
Molecular consequence: missense variant.
Genome position (GRCh38, 1-based): chr17:65,536,533, G>A on the plus strand (C>T on the coding strand, the complement: AXIN2 is on the minus strand). VCF-style: chr17-65536533-G-A. GRCh37 (hg19) VCF-style: chr17-63532651-G-A.
Other names: c.1733C>T, p.Ala578Val (NM_001363813.1); short protein forms A578V, A643V.
Identifiers: ClinVar variation 1782803 (VCV001782803.2), dbSNP rs2509403612, ClinGen allele CA400676313.
Genomic context (GRCh38, chr17:65,536,533, plus strand): 5'-CACAGATGGTGCCGGCTGGCTCGTTCGCCTGGAGACGAGCGGGCAGACTCCAAGGGGTAG[G>A]CCTTTTTTGTGCTTTGGGCACTAAACAAGGAATGAGCAGAGAGAAAACAGAAGGAAAGAA-3'
Protein context (NP_004646.3, residues 633-653): KPHSAQSTKK[Ala643Val]YPLESARSSP